The following is an entry in ClinVar:

ClinVar aggregate classification (germline): Uncertain significance (1 of 4 stars; one submission).

Conditions:
Polycystic kidney disease, adult type (PKD1). Also called: Polycystic Kidney, Autosomal Dominant; POLYCYSTIC KIDNEY DISEASE, ADULT, TYPE I; Polycystic Kidney Disease 1, Autosomal Dominant; Polycystic kidney disease 1; Polycystic kidney disease 1, severe; POLYCYSTIC KIDNEY DISEASE 1 WITH OR WITHOUT POLYCYSTIC LIVER DISEASE. Identifiers: MedGen C3149841, MONDO:0008263, OMIM 173900.

Submission:

MVZ Medizinische Genetik Mainz
Classification: Uncertain significance for Polycystic kidney disease, adult type. Last evaluated: 2026-06-16. Review status: criteria provided, single submitter. Criteria: UK Practice Guidelines For Variant Classification V4 01 2020. Collection method: clinical testing. Allele origin: germline. Inheritance: Autosomal dominant inheritance. Affected: yes. Observed: 1 variant allele.
Comment: ACMG Criteria: PM2_SUP,PP3,PP4

NM_001009944.3(PKD1):c.2985+91T>G

Gene: PKD1 (polycystin 1, transient receptor potential channel interacting; minus strand). Cytogenetic location: 16p13.3.
Variant type: single nucleotide variant.
Coding change: c.2985+91T>G on transcript NM_001009944.3 (MANE Select); 91 bases into the intron after coding-DNA position 2985, T replaced by G.
Molecular consequence: intron variant.
Genome position (GRCh38, 1-based): chr16:2,113,070, A>C on the plus strand (T>G on the coding strand, the complement: PKD1 is on the minus strand). VCF-style: chr16-2113070-A-C. GRCh37 (hg19) VCF-style: chr16-2163071-A-C.
Other names: c.2985+91T>G (NM_000296.4).
Identifiers: ClinVar variation 4879853 (VCV004879853.1).